The following is an entry in ClinVar:

ClinVar aggregate classification (germline): Likely benign. Review status: criteria provided, multiple submitters, no conflicts (2 of 4 stars). 2 submissions from 2 submitters: Likely benign (2). Last evaluated 2024-06-17.

Allele frequency attached by ClinVar (database versions not stated): TOPMed below 0.00001; gnomAD 0.00002; gnomAD exomes 0.00002; ExAC 0.00003; 1000 Genomes Project 30x 0.00016; 1000 Genomes Project 0.00020.

Submissions (2):

Labcorp Genetics (formerly Invitae), Labcorp
Classification: Likely benign. Last evaluated: 2024-06-17. Review status: criteria provided, single submitter. Criteria: Invitae Variant Classification Sherloc (09022015). Collection method: clinical testing. Allele origin: germline.

CeGaT Center for Human Genetics Tuebingen
Classification: Likely benign. Last evaluated: 2023-03-01. Review status: criteria provided, single submitter. Criteria: CeGaT Center For Human Genetics Tuebingen Variant Classification Criteria Version 2. Collection method: clinical testing. Allele origin: germline. Affected: yes. Observed: 1 variant allele.
Comment: ASXL2: BP4, BP7

NM_018263.6(ASXL2):c.978C>G (p.Ala326=)

Gene: ASXL2 (ASXL transcriptional regulator 2; minus strand). Cytogenetic location: 2p23.3.
Variant type: single nucleotide variant.
Coding change: c.978C>G on transcript NM_018263.6 (MANE Select); coding-DNA position 978, C replaced by G.
Protein change: p.Ala326=; no amino-acid change (alanine 326 retained).
Molecular consequence: synonymous variant.
Genome position (GRCh38, 1-based): chr2:25,756,076, G>C on the plus strand (C>G on the coding strand, the complement: ASXL2 is on the minus strand). VCF-style: chr2-25756076-G-C. GRCh37 (hg19) VCF-style: chr2-25978945-G-C.
Other names: c.804C>G, p.Ala268= (NM_001369346.1); c.198C>G, p.Ala66= (NM_001369347.1).
Identifiers: ClinVar variation 1909403 (VCV001909403.29), dbSNP rs548979446, ClinGen allele CA1557915.